The following is an entry in ClinVar:

ClinVar aggregate classification (germline): Uncertain significance (1 of 4 stars; one submission).

Allele frequency attached by ClinVar (database versions not stated): gnomAD exomes 0.00001; TOPMed below 0.00001; ExAC 0.00001; gnomAD 0.00001; ESP Exome Variant Server 0.00008.
gnomAD v4.1: 11 of 1,612,910 alleles (0.00068%); highest among the groups gnomAD compares: Non-Finnish European, 0.00017%; no homozygotes.

Submission:

Labcorp Genetics (formerly Invitae), Labcorp
Classification: Uncertain significance. Last evaluated: 2025-02-20. Review status: criteria provided, single submitter. Criteria: Invitae Variant Classification Sherloc (09022015). Collection method: clinical testing. Allele origin: germline.
Comment: This sequence change replaces proline, which is neutral and non-polar, with serine, which is neutral and polar, at codon 1819 of the DCHS1 protein (p.Pro1819Ser). This variant is present in population databases (rs374596423, gnomAD 0.02%). This variant has not been reported in the literature in individuals affected with DCHS1-related conditions. ClinVar contains an entry for this variant (Variation ID: 3007365). Invitae Evidence Modeling of protein sequence and biophysical properties (such as structural, functional, and spatial information, amino acid conservation, physicochemical variation, residue mobility, and thermodynamic stability) indicates that this missense variant is not expected to disrupt DCHS1 protein function with a negative predictive value of 95%. In summary, the available evidence is currently insufficient to determine the role of this variant in disease. Therefore, it has been classified as a Variant of Uncertain Significance.

NM_003737.4(DCHS1):c.5455C>T (p.Pro1819Ser)

Gene: DCHS1 (dachsous cadherin-related 1; minus strand). Cytogenetic location: 11p15.4.
Variant type: single nucleotide variant.
Coding change: c.5455C>T on transcript NM_003737.4 (MANE Select); coding-DNA position 5455, C replaced by T.
Protein change: p.Pro1819Ser; replaces proline 1819 with serine.
Molecular consequence: missense variant.
Genome position (GRCh38, 1-based): chr11:6,627,584, G>A on the plus strand (C>T on the coding strand, the complement: DCHS1 is on the minus strand). VCF-style: chr11-6627584-G-A. GRCh37 (hg19) VCF-style: chr11-6648815-G-A.
Other names: short protein forms P1819S.
Identifiers: ClinVar variation 3007365 (VCV003007365.3), dbSNP rs374596423, ClinGen allele CA5860085.
Genomic context (GRCh38, chr11:6,627,584, plus strand): 5'-GCGTGGCACTGAGAGCTGGCTGGCCTCCATCCCGGGCCTCTATCCTCAGCTGGAAAGCTG[G>A]CTCCACTTCTCTGTCTAGTGGCCGCATGGTGCCAAACTCTCCAGAAGCAAGGTCTAGGAC-3'
Protein context (NP_003728.1, residues 1809-1829): TMRPLDREVE[Pro1819Ser]AFQLRIEARD